The following is an entry in ClinVar:

NM_005431.2(XRCC2):c.441T>G (p.Ile147Met)

Gene: XRCC2 (X-ray repair cross complementing 2; minus strand). Cytogenetic location: 7q36.1.
Variant type: single nucleotide variant.
Coding change: c.441T>G on transcript NM_005431.2 (MANE Select); coding-DNA position 441, T replaced by G.
Protein change: p.Ile147Met; replaces isoleucine 147 with methionine.
Molecular consequence: missense variant.
Genome position (GRCh38, 1-based): chr7:152,649,044, A>C on the plus strand (T>G on the coding strand, the complement: XRCC2 is on the minus strand). VCF-style: chr7-152649044-A-C. GRCh37 (hg19) VCF-style: chr7-152346129-A-C.
Other names: short protein forms I147M.
Identifiers: ClinVar variation 4202857 (VCV004202857.1).

ClinVar aggregate classification (germline): Uncertain significance (1 of 4 stars; one submission).

Conditions:
Hereditary cancer-predisposing syndrome. Also called: Neoplastic Syndromes, Hereditary; Tumor predisposition; Hereditary Cancer Syndrome; Hereditary neoplastic syndrome. Identifiers: Orphanet 140162, MedGen C0027672, MeSH D009386, MONDO:0015356.

Submission:

Ambry Genetics
Classification: Uncertain significance for Hereditary cancer-predisposing syndrome. Last evaluated: 2025-06-23. Review status: criteria provided, single submitter. Criteria: Ambry Variant Classification Scheme 2023. Collection method: clinical testing. Allele origin: germline.
Comment: The p.I147M variant (also known as c.441T>G), located in coding exon 3 of the XRCC2 gene, results from a T to G substitution at nucleotide position 441. The isoleucine at codon 147 is replaced by methionine, an amino acid with highly similar properties. This amino acid position is conserved. In addition, this alteration is predicted to be tolerated by in silico analysis. Based on the available evidence, the clinical significance of this variant remains unclear.